The following is an entry in ClinVar:

NM_001130009.3(GEN1):c.1471A>G (p.Met491Val)

Gene: GEN1 (GEN1 structure-specific endonuclease; plus strand). Cytogenetic location: 2p24.2.
Variant type: single nucleotide variant.
Coding change: c.1471A>G on transcript NM_001130009.3 (MANE Select); coding-DNA position 1471, A replaced by G.
Protein change: p.Met491Val; replaces methionine 491 with valine.
Molecular consequence: missense variant.
Genome position (GRCh38, 1-based): chr2:17,780,683, A>G. VCF-style: chr2-17780683-A-G. GRCh37 (hg19) VCF-style: chr2-17961950-A-G.
Other names: c.1471A>G (NM_001130009.1); c.1471A>G, p.Met491Val (NM_182625.5); short protein forms M491V.
Identifiers: ClinVar variation 1450069 (VCV001450069.7), dbSNP rs780197637, ClinGen allele CA43359364.

ClinVar aggregate classification (germline): Uncertain significance. Review status: criteria provided, multiple submitters, no conflicts (2 of 4 stars). 2 submissions from 2 submitters: Uncertain significance (2). Last evaluated 2025-03-08.

gnomAD v4.1: 24 of 1,613,504 alleles (0.0015%); highest among the groups gnomAD compares: East Asian, 0.0045%; no homozygotes.

Submissions (2):

Ambry Genetics
Classification: Uncertain significance. Last evaluated: 2025-03-08. Review status: criteria provided, single submitter. Criteria: Ambry Variant Classification Scheme 2023. Collection method: clinical testing. Allele origin: germline.
Comment: The p.M491V variant (also known as c.1471A>G), located in coding exon 13 of the GEN1 gene, results from an A to G substitution at nucleotide position 1471. The methionine at codon 491 is replaced by valine, an amino acid with highly similar properties. This amino acid position is conserved. In addition, this alteration is predicted to be tolerated by in silico analysis. Based on the available evidence, the clinical significance of this variant remains unclear.

Labcorp Genetics (formerly Invitae), Labcorp
Classification: Uncertain significance. Last evaluated: 2021-11-23. Review status: criteria provided, single submitter. Criteria: Invitae Variant Classification Sherloc (09022015). Collection method: clinical testing. Allele origin: germline.
Comment: In summary, the available evidence is currently insufficient to determine the role of this variant in disease. Therefore, it has been classified as a Variant of Uncertain Significance. Algorithms developed to predict the effect of sequence changes on RNA splicing suggest that this variant may create or strengthen a splice site. Algorithms developed to predict the effect of missense changes on protein structure and function output the following: SIFT: "Tolerated"; PolyPhen-2: "Benign"; Align-GVGD: "Class C0". The valine amino acid residue is found in multiple mammalian species, which suggests that this missense change does not adversely affect protein function. This variant has not been reported in the literature in individuals affected with GEN1-related conditions. This variant is not present in population databases (gnomAD no frequency). This sequence change replaces methionine, which is neutral and non-polar, with valine, which is neutral and non-polar, at codon 491 of the GEN1 protein (p.Met491Val).